The following is an entry in ClinVar:

NM_000283.4(PDE6B):c.1685G>A (p.Gly562Asp)

Gene: PDE6B (phosphodiesterase 6B; plus strand). Cytogenetic location: 4p16.3.
Variant type: single nucleotide variant.
Coding change: c.1685G>A on transcript NM_000283.4 (MANE Select); coding-DNA position 1685, G replaced by A.
Protein change: p.Gly562Asp; replaces glycine 562 with aspartic acid.
Molecular consequence: missense variant.
Genome position (GRCh38, 1-based): chr4:662,204, G>A. VCF-style: chr4-662204-G-A. GRCh37 (hg19) VCF-style: chr4-655993-G-A.
Other names: c.1685G>A, p.Gly562Asp (NM_001145291.2); c.848G>A, p.Gly283Asp (NM_001145292.2, NM_001350154.3, NM_001379246.1 and 1 more transcripts); c.530G>A, p.Gly177Asp (NM_001350155.3); short protein forms G562D, G283D, G177D.
Identifiers: ClinVar variation 194164 (VCV000194164.14), dbSNP rs774268095, ClinGen allele CA240006.

ClinVar aggregate classification (germline): Conflicting classifications of pathogenicity. Review status: criteria provided, conflicting classifications (1 of 4 stars). 4 submissions from 4 submitters: Pathogenic (2); Uncertain significance (1). 1 of the submissions does not count toward it. Last evaluated 2026-01-02.

Conditions:
PDE6B-related disorder. Also called: PDE6B-related disease; PDE6B-related condition; PDE6B-related disorders.
Retinitis pigmentosa 40 (RP40). Identifiers: Orphanet 791, MedGen C3151107, MONDO:0013429, OMIM 613801.

Allele frequency attached by ClinVar (database versions not stated): TOPMed 0.00002; ExAC 0.00003; gnomAD 0.00004; gnomAD exomes 0.00005.
gnomAD v4.1: 78 of 1,576,712 alleles (0.0049%); highest among the groups gnomAD compares: Non-Finnish European, 0.0061%; no homozygotes.

Submissions (4):

Labcorp Genetics (formerly Invitae), Labcorp
Classification: Pathogenic. Last evaluated: 2026-01-02. Review status: criteria provided, single submitter. Criteria: Invitae Variant Classification Sherloc (09022015). Collection method: clinical testing. Allele origin: germline.
Comment: This sequence change replaces glycine, which is neutral and non-polar, with aspartic acid, which is acidic and polar, at codon 562 of the PDE6B protein (p.Gly562Asp). The frequency data for this variant in the population databases is considered unreliable, as metrics indicate poor data quality at this position in the gnomAD database. This missense change has been observed in individuals with autosomal recessive retinitis pigmentosa (PMID: 20591486, 21147909; internal data). ClinVar contains an entry for this variant (Variation ID: 194164). Invitae Evidence Modeling of protein sequence and biophysical properties (such as structural, functional, and spatial information, amino acid conservation, physicochemical variation, residue mobility, and thermodynamic stability) indicates that this missense variant is expected to disrupt PDE6B protein function with a positive predictive value of 95%. Studies have shown that this missense change does not affect mRNA splicing (PMID: 20591486). For these reasons, this variant has been classified as Pathogenic.

Blueprint Genetics
Classification: Pathogenic for PDE6B-related disorders. Last evaluated: 2024-07-10. Review status: criteria provided, single submitter. Criteria: ACMG Guidelines, 2015. Collection method: clinical testing. Allele origin: germline. Affected: yes. Observed: 5 variant alleles.

Eurofins Ntd Llc (ga)
Classification: Uncertain significance. Last evaluated: 2015-01-20. Review status: criteria provided, single submitter. Criteria: EGL Classification Definitions 2015. Collection method: clinical testing. Allele origin: germline. Observed: 1 variant allele, 1 heterozygote.

Ocular Genomics Institute, Massachusetts Eye and Ear
Classification: Uncertain significance for Retinitis pigmentosa 40. Last evaluated: 2021-04-08. Review status: flagged submission. Criteria: ACMG Guidelines, 2015. Collection method: research. Allele origin: germline. Affected: yes. Not counted in ClinVar's aggregate classification.
Comment: Through a review of available evidence we were able to apply the following criteria: PM2. Based on this evidence we have classified this variant as Variant of Uncertain Significance.
ClinVar note: Reason: Older claim that does not account for recent evidence

Literature cited by the submitters: PubMed 20591486 (cited by Labcorp Genetics (formerly Invitae), Labcorp); PubMed 21147909 (cited by Labcorp Genetics (formerly Invitae), Labcorp).